The following is an entry in ClinVar:

ClinVar aggregate classification (germline): Likely benign (1 of 4 stars; one submission).

Conditions:
Progressive sclerosing poliodystrophy (MTDPS4A). Also called: Alpers-Huttenlocher Syndrome (AHS); Alpers Syndrome; ALPERS PROGRESSIVE INFANTILE POLIODYSTROPHY; Mitochondrial DNA depletion syndrome 4A (Alpers type); ALPERS DIFFUSE DEGENERATION OF CEREBRAL GRAY MATTER WITH HEPATIC CIRRHOSIS; Alpers-Huttenlocher Syndrome. Identifiers: Orphanet 726, MedGen C0205710, MONDO:0008758, OMIM 203700.

Allele frequency attached by ClinVar (database versions not stated): TOPMed 0.00003; gnomAD 0.00005.
gnomAD v4.1: 9 of 1,614,108 alleles (0.00056%); highest among the groups gnomAD compares: African/African-American, 0.012%; no homozygotes.

Submission:

Wong Mito Lab, Molecular and Human Genetics, Baylor College of Medicine
Classification: Likely benign for Progressive sclerosing poliodystrophy. Last evaluated: 2018-10-01. Review status: criteria provided, single submitter. Criteria: ACMG Guidelines, 2015. Collection method: clinical testing. Allele origin: germline.
Comment: The NM_002693.2:c.1434-32C>G (NP_002684.1:p.=) [GRCH38: NC_000015.10:g.89327095G>C] variant in POLG gene is interpretated to be a Likely Benign based on ACMG guidelines (PMID: 25741868). This variant meets the following evidence codes reported in the ACMG-guideline. BP4:Computational evidence/predictors indicate no impact on the POLG structure, function, or protein-protein interaction. BP6:Reputable source(s) without shared data suggest the variant is benign. Based on the evidence criteria codes applied, the variant is suggested to be Likely Benign.

NM_002693.3(POLG):c.1434-32C>G

Gene: POLG (DNA polymerase gamma, catalytic subunit; minus strand). Cytogenetic location: 15q26.1.
Variant type: single nucleotide variant.
Coding change: c.1434-32C>G on transcript NM_002693.3 (MANE Select); 32 bases into the intron before coding-DNA position 1434, C replaced by G.
Molecular consequence: intron variant.
Genome position (GRCh38, 1-based): chr15:89,327,095, G>C on the plus strand (C>G on the coding strand, the complement: POLG is on the minus strand). VCF-style: chr15-89327095-G-C. GRCh37 (hg19) VCF-style: chr15-89870326-G-C.
Other names: c.1434-32C>G (NM_001126131.2).
Identifiers: ClinVar variation 619454 (VCV000619454.1), dbSNP rs954111058, ClinGen allele CA10602307.